The following is an entry in ClinVar:

NM_001166108.2(PALLD):c.2915G>A (p.Ser972Asn)

Genes: CBR4 (carbonyl reductase 4; minus strand), PALLD (palladin, cytoskeletal associated protein; plus strand). Cytogenetic location: 4q32.3.
Variant type: single nucleotide variant.
Coding change: c.2915G>A on transcript NM_001166108.2 (MANE Select); coding-DNA position 2915, G replaced by A.
Protein change: p.Ser972Asn; replaces serine 972 with asparagine.
Molecular consequence: missense variant.
Genome position (GRCh38, 1-based): chr4:168,921,598, G>A. VCF-style: chr4-168921598-G-A. GRCh37 (hg19) VCF-style: chr4-169842749-G-A.
Other names: c.1718G>A, p.Ser573Asn (NM_001166109.2); c.1403G>A, p.Ser468Asn (NM_001166110.2); c.743G>A, p.Ser248Asn (NM_001367567.1, NM_001367569.1); c.794G>A, p.Ser265Asn (NM_001367568.1, NM_001367570.1); c.2864G>A, p.Ser955Asn (NM_016081.4); short protein forms S248N, S265N, S468N, S573N, S955N, S972N.
Identifiers: ClinVar variation 3226790 (VCV003226790.1), dbSNP rs2534193208, ClinGen allele CA358708679.

ClinVar aggregate classification (germline): Uncertain significance (1 of 4 stars; one submission).

Allele frequency attached by ClinVar (database versions not stated): gnomAD exomes below 0.00001.
gnomAD v4.1: 1 of 1,610,308 alleles (0.000062%); highest among the groups gnomAD compares: South Asian, 0.0011%; no homozygotes.

Submission:

Ambry Genetics
Classification: Uncertain significance. Last evaluated: 2023-12-02. Review status: criteria provided, single submitter. Criteria: Ambry Variant Classification Scheme 2023. Collection method: clinical testing. Allele origin: germline.
Comment: The p.S955N variant (also known as c.2864G>A), located in coding exon 16 of the PALLD gene, results from a G to A substitution at nucleotide position 2864. The serine at codon 955 is replaced by asparagine, an amino acid with highly similar properties. This amino acid position is conserved. In addition, this alteration is predicted to be tolerated by in silico analysis. Since supporting evidence is limited at this time, the clinical significance of this alteration remains unclear.